The following is an entry in ClinVar:

NM_000487.6(ARSA):c.684+1G>A

Gene: ARSA (arylsulfatase A; minus strand). Cytogenetic location: 22q13.33.
Variant type: single nucleotide variant.
Coding change: c.684+1G>A on transcript NM_000487.6 (MANE Select); the canonical splice donor site of the intron after coding-DNA position 684, G replaced by A.
Molecular consequence: splice donor variant.
Genome position (GRCh38, 1-based): chr22:50,626,833, C>T on the plus strand (G>A on the coding strand, the complement: ARSA is on the minus strand). VCF-style: chr22-50626833-C-T. GRCh37 (hg19) VCF-style: chr22-51065261-C-T.
Other names: c.684+1G>A (NM_001085427.3, NM_001085426.3, NM_001085425.3 and 1 more transcripts); c.426+1G>A (NM_001085428.3, NM_001362782.2).
Identifiers: ClinVar variation 870756 (VCV000870756.64), dbSNP rs146371968, ClinGen allele CA10324947.

ClinVar aggregate classification (germline): Pathogenic. Review status: criteria provided, multiple submitters, no conflicts (2 of 4 stars). 11 submissions from 11 submitters: Pathogenic (11). Last evaluated 2026-09-17.

Conditions:
ARSA-related disorder. Also called: ARSA-related condition.
Lysosomal storage disease. Also called: Lysosomal storage disorder. Identifiers: Orphanet 68366, MedGen C0085078, MONDO:0002561.
Metachromatic leukodystrophy (MLD). Also called: SULFATIDE LIPIDOSIS; ARSA DEFICIENCY; Arylsulfatase A Deficiency; Cerebral sclerosis diffuse metachromatic form; CEREBROSIDE SULFATASE DEFICIENCY; METACHROMATIC LEUKOENCEPHALOPATHY. Identifiers: Orphanet 512, MedGen C0023522, MONDO:0018868, OMIM 250100.

Allele frequency attached by ClinVar (database versions not stated): ExAC 0.00001; gnomAD 0.00001; gnomAD exomes 0.00001; TOPMed 0.00001; ESP Exome Variant Server 0.00008.

Submissions (13):

Laboratory of Experimental Gene Therapy of Hereditary Metabolic Diseases, Research Centre for Medical Genetics
Classification: Pathogenic for Metachromatic leukodystrophy. Last evaluated: 2026-09-17. Review status: criteria provided, single submitter. Criteria: ARSA MLD Assertion Criteria V2 2026 09 18. Collection method: clinical testing. Allele origin: germline. Inheritance: Autosomal recessive inheritance. Affected: yes. Observed: 1 variant allele, 1 compound heterozygote.
Comment: The previously reported Pathogenic classification was reviewed and retained for the accompanying study. External ClinVar record reviewed: VCV000870756.61. Observations from the present referral series were not used to establish pathogenicity.

NHS Central & South Genomic Laboratory Hub
Classification: Pathogenic for Lysosomal storage disorder. Last evaluated: 2026-08-06. Review status: criteria provided, single submitter. Criteria: ACMG Guidelines, 2015. Collection method: clinical testing. Allele origin: germline. Affected: yes.

Labcorp Genetics (formerly Invitae), Labcorp
Classification: Pathogenic for Metachromatic leukodystrophy. Last evaluated: 2025-12-22. Review status: criteria provided, single submitter. Criteria: Invitae Variant Classification Sherloc (09022015). Collection method: clinical testing. Allele origin: germline.
Comment: This sequence change affects a donor splice site in intron 3 of the ARSA gene. RNA analysis indicates that disruption of this splice site induces altered splicing and likely results in a shortened protein product. This variant is present in population databases (rs146371968, gnomAD 0.002%). Disruption of this splice site has been observed in individual(s) with metachromatic leukodystrophy (PMID: 7581401). This variant is also known as 678+1G>A. ClinVar contains an entry for this variant (Variation ID: 870756). Studies have shown that disruption of this splice site results in skipping of exon 3, but is expected to preserve the integrity of the reading-frame (PMID: 7581401). For these reasons, this variant has been classified as Pathogenic.

Natera, Inc.
Classification: Pathogenic for Metachromatic leukodystrophy. Last evaluated: 2025-07-16. Review status: criteria provided, single submitter. Criteria: Natera Variant Classification Schema (03/2026). Collection method: clinical testing. Allele origin: germline.
Comment: The c.684+1G>A variant in ARSA is a canonical splice donor site variant predicted to affect pre-mRNA splicing, which may result in an abnormal transcript and altered protein product. This variant is expected to result in nonsense mediated decay, truncation, or a dysfunctional protein product. This variant is rare in the general population with a frequency below the threshold expected for the associated phenotype(s). This variant has been observed in one or more individuals affected with the associated recessive disease, as either homozygous or compound heterozygous with a second variant (PMID: 31149247, 7581401). Functional studies show that this variant may disrupt protein function (PMID: 7581401). Given the available evidence, this variant is classified as Pathogenic.

Blueprint Genetics
Classification: Pathogenic for ARSA-related disorders. Last evaluated: 2023-05-05. Review status: criteria provided, single submitter. Criteria: ACMG Guidelines, 2015. Collection method: clinical testing. Allele origin: germline. Affected: yes. Observed: 3 variant alleles.

Clinical Genetics Laboratory, Skane University Hospital Lund
Classification: Pathogenic. Last evaluated: 2022-06-08. Review status: criteria provided, single submitter. Criteria: ACMG Guidelines, 2015. Collection method: clinical testing. Allele origin: germline. Affected: yes.

GeneDx
Classification: Pathogenic. Last evaluated: 2022-02-04. Review status: criteria provided, single submitter. Criteria: GeneDx Variant Classification Process June 2021. Collection method: clinical testing. Allele origin: germline. Affected: yes.
Comment: Published functional studies demonstrate a damaging effect as this variant results in the skipping of exon 3 (Barth et al., 1995); Not observed at significant frequency in large population cohorts (gnomAD); Canonical splice site variant expected to result in aberrant splicing, although in the absence of functional evidence the actual effect of this sequence change is unknown.; Also reported as c.678+1 G>A due to alternate nomenclature; This variant is associated with the following publications: (PMID: 25525159, 26915897, 12809638, 33229454, 7581401)

Myriad Genetics, Inc.
Classification: Pathogenic for Metachromatic leukodystrophy. Last evaluated: 2021-11-12. Review status: criteria provided, single submitter. Criteria: Myriad Women's Health Autosomal Recessive and X-Linked Classification Criteria (2021). Collection method: clinical testing. Allele origin: unknown.
Comment: NM_000487.5(ARSA):c.684+1G>A is a canonical splice variant classified as pathogenic in the context of metachromatic leukodystrophy. c.684+1G>A has been observed in cases with relevant disease (PMID: 7581401, 26915897, 12809638). Functional assessments of this variant are available in the literature (PMID: 7581401). c.684+1G>A has been observed in population frequency databases (gnomAD: AFR 0.01%). In summary, NM_000487.5(ARSA):c.684+1G>A is a canonical splice variant that has functional support for pathogenicity and has been observed more frequently in cases with the relevant disease than in healthy populations. Please note: this variant was assessed in the context of healthy population screening.

Fulgent Genetics
Classification: Pathogenic for Metachromatic leukodystrophy. Last evaluated: 2021-10-21. Review status: criteria provided, single submitter. Criteria: ACMG Guidelines, 2015. Collection method: clinical testing. Allele origin: unknown.

Women's Health and Genetics/Laboratory Corporation of America, LabCorp
Classification: Pathogenic for Metachromatic leukodystrophy. Last evaluated: 2020-01-10. Review status: criteria provided, single submitter. Criteria: LabCorp Variant Classification Summary - May 2015. Collection method: clinical testing. Allele origin: germline.
Comment: Variant summary: ARSA c.684+1G>A is located in a canonical splice-site and is predicted to affect mRNA splicing resulting in a significantly altered protein due to either exon skipping, shortening, or inclusion of intronic material. Several computational tools predict a significant impact on normal splicing: Four predict the variant abolishes a canonical 5' splicing donor site. At least one publication reports experimental evidence that this variant affects mRNA splicing (Barth_1995). The variant allele was found at a frequency of 1.2e-05 in 250698 control chromosomes. c.684+1G>A has been reported in the literature with alternate names (as 678+1G>A and IVS2+1G>A or the I allele) in multiple individuals affected with Metachromatic Leukodystrophy (example, Barth_1995, and Coulter-Mackie_2003). These data indicate that the variant is very likely to be associated with disease. No clinical diagnostic laboratories have submitted clinical-significance assessments for this variant to ClinVar after 2014. Based on the evidence outlined above, the variant was classified as pathogenic.

CeGaT Center for Human Genetics Tuebingen
Classification: Pathogenic. Last evaluated: 2019-12-01. Review status: criteria provided, single submitter. Criteria: CeGaT Center For Human Genetics Tuebingen Variant Classification Criteria Version 2. Collection method: clinical testing. Allele origin: germline. Affected: yes. Observed: 1 variant allele.

Dr. Peter K. Rogan Lab, Western University
No classification provided (evidence only). Condition: Sarcoma. Review status: no classification provided. Collection method: in vitro. Allele origin: not applicable. Functional consequence: skipped exon, retained intron. Not counted in ClinVar's aggregate classification.

Dr. Peter K. Rogan Lab, Western University
No classification provided (evidence only). Condition: Malignant tumor of esophagus. Review status: no classification provided. Collection method: in vitro. Allele origin: not applicable. Functional consequence: skipped exon, retained intron. Not counted in ClinVar's aggregate classification.

Literature cited by the submitters: PubMed 7581401 (cited by 4 submitters); PubMed 31149247 (cited by Natera, Inc.); PubMed 26915897 (cited by Myriad Genetics, Inc.); PubMed 12809638 (cited by Myriad Genetics, Inc. and Women's Health and Genetics/Laboratory Corporation of America, LabCorp).